The following is an entry in ClinVar:

NM_001287.6(CLCN7):c.1072_1094del (p.Ile358fs)

Gene: CLCN7 (Cl-/H+ antiporter 7; minus strand). Cytogenetic location: 16p13.3.
Variant type: Deletion.
Coding change: c.1072_1094del on transcript NM_001287.6 (MANE Select); coding-DNA positions 1072 to 1094, 23 bases deleted (ATCAACTTCGGAAGGTTTGACTC).
Protein change: p.Ile358fs; shifts the reading frame from isoleucine 358.
Molecular consequence: frameshift variant.
Genome position (GRCh38, 1-based): chr16:1,455,138-1,455,160, GAGTCAAACCTTCCGAAGTTGAT deleted on the plus strand (ATCAACTTCGGAAGGTTTGACTC on the coding strand, the reverse complement: CLCN7 is on the minus strand); deleting any 23 consecutive bases within chr16:1,455,138-1,455,163 gives the same sequence; the c. name uses the placement nearest the transcript's 3' end. VCF-style (leftmost placement, unchanged base first): chr16-1455137-CGAGTCAAACCTTCCGAAGTTGAT-C. GRCh37 (hg19) VCF-style: chr16-1505138-CGAGTCAAACCTTCCGAAGTTGAT-C.
Other names: c.1000_1022del, p.Ile334fs (NM_001114331.3); short protein forms I334fs, I358fs.
Identifiers: ClinVar variation 4880815 (VCV004880815.2).

ClinVar aggregate classification (germline): Likely pathogenic (1 of 4 stars; one submission).

Submission:

Dasa
Classification: Likely pathogenic. Last evaluated: 2026-04-09. Review status: criteria provided, single submitter. Criteria: DASA Assertion Criteria. Collection method: clinical testing. Allele origin: germline.
Comment: NM_001287.6(CLCN7):c.1072_1094del (p.Ile358Glyfs*51) is a frameshift variant in CLCN7 predicted to alter the reading frame and introduce a premature termination codon and is predicted to result in an absent or altered protein product. Loss of function is an established disease mechanism for CLCN7-associated disorders. Also, this variant is rare in population databases. Based on the currently available evidence, this variant is classified as likely pathogenic.